The following is an entry in ClinVar:

ClinVar aggregate classification (germline): Uncertain significance (1 of 4 stars; one submission).

Conditions:
FG syndrome 1 (OKS). Also called: FG Syndrome Type 1 (FGS1); KELLER SYNDROME; MENTAL RETARDATION, LARGE HEAD, IMPERFORATE ANUS, CONGENITAL HYPOTONIA, AND PARTIAL AGENESIS OF CORPUS CALLOSUM; OPITZ-KAVEGGIA SYNDROME. Identifiers: Orphanet 93932, MedGen C5399762, MONDO:0010590, OMIM 305450.

Allele frequency attached by ClinVar (database versions not stated): gnomAD exomes below 0.00001; TOPMed below 0.00001; gnomAD 0.00001.

Submission:

UNC Molecular Genetics  Laboratory, University of North Carolina at Chapel Hill
Classification: Uncertain significance for FG syndrome. Last evaluated: 2021-01-01. Review status: criteria provided, single submitter. Criteria: ACMG Guidelines, 2015. Collection method: research. Allele origin: germline. Inheritance: X-linked inheritance. Observed: 1 variant allele. Study: CSER_NCGENES.
Comment: The MED12 c.4382C>T (p.Ser1461Leu) missense variant results in a serine to leucine substitution in the encoded protein. To our knowledge, this variant has not been previously reported in affected individuals in the literature. This is a rare variant present in unselected individuals in the general population with a global minor allele frequency of 0.0009% (1/111,555 alleles, 0 hemizygotes) in gnomAD. This variant is located in the leucine- and serine-rich (LS) domain of the encoded protein. Other pathogenic missense variants have been reported in the LS domain (PMID: 30729724). This variant has conflicting predictions of pathogenicity by in silico tools and its effect on protein function is unknown. Without additional evidence, this variant is considered a variant of uncertain significance.

Literature cited by the submitters: PubMed 30729724.

NM_005120.3(MED12):c.4382C>T (p.Ser1461Leu)

Gene: MED12 (mediator complex subunit 12; plus strand). Cytogenetic location: Xq13.1.
Variant type: single nucleotide variant.
Coding change: c.4382C>T on transcript NM_005120.3 (MANE Select); coding-DNA position 4382, C replaced by T.
Protein change: p.Ser1461Leu; replaces serine 1461 with leucine.
Molecular consequence: missense variant.
Genome position (GRCh38, 1-based): chrX:71,132,505, C>T. VCF-style: chrX-71132505-C-T. GRCh37 (hg19) VCF-style: chrX-70352355-C-T.
Other names: short protein forms S1461L.
Identifiers: ClinVar variation 1064569 (VCV001064569.1), dbSNP rs1458136598, ClinGen allele CA413526885.